The following is an entry in ClinVar:

NM_001009944.3(PKD1):c.12485C>T (p.Pro4162Leu)

Gene: PKD1 (polycystin 1, transient receptor potential channel interacting; minus strand). Cytogenetic location: 16p13.3.
Variant type: single nucleotide variant.
Coding change: c.12485C>T on transcript NM_001009944.3 (MANE Select); coding-DNA position 12485, C replaced by T.
Protein change: p.Pro4162Leu; replaces proline 4162 with leucine.
Molecular consequence: missense variant.
Genome position (GRCh38, 1-based): chr16:2,090,154, G>A on the plus strand (C>T on the coding strand, the complement: PKD1 is on the minus strand). VCF-style: chr16-2090154-G-A. GRCh37 (hg19) VCF-style: chr16-2140155-G-A.
Other names: c.12482C>T, p.Pro4161Leu (NM_000296.4); short protein forms P4161L, P4162L.
Identifiers: ClinVar variation 3384440 (VCV003384440.1).
Genomic context (GRCh38, chr16:2,090,154, plus strand): 5'-GAGCCAGCGCTGGGTGGGGGCACATCCGGGGATACCTTGGAGCCCCTGGAGGAGCGAGAG[G>A]GCAGCGGCTCCATCCCTTCAAAGCGGACTTTGTGGCGGAACTGGGGGCGGCACAGGGGCT-3'
Protein context (NP_001009944.3, residues 4152-4172): KVRFEGMEPL[Pro4162Leu]SRSSRGSKVS

ClinVar aggregate classification (germline): Uncertain significance (1 of 4 stars; one submission).

gnomAD v4.1: 18 of 1,596,850 alleles (0.0011%); highest among the groups gnomAD compares: East Asian, 0.016%; no homozygotes.

Submission:

GeneDx
Classification: Uncertain significance. Last evaluated: 2024-06-03. Review status: criteria provided, single submitter. Criteria: GeneDx Variant Classification Process June 2021. Collection method: clinical testing. Allele origin: germline. Affected: yes.
Comment: In silico analysis supports that this missense variant has a deleterious effect on protein structure/function; Has not been previously published as pathogenic or benign to our knowledge